The following is an entry in ClinVar:

NM_000051.4(ATM):c.4145C>G (p.Pro1382Arg)

Gene: ATM (ATM serine/threonine kinase; plus strand). Cytogenetic location: 11q22.3.
Variant type: single nucleotide variant.
Coding change: c.4145C>G on transcript NM_000051.4 (MANE Select); coding-DNA position 4145, C replaced by G.
Protein change: p.Pro1382Arg; replaces proline 1382 with arginine.
Molecular consequence: missense variant.
Genome position (GRCh38, 1-based): chr11:108,289,012, C>G. VCF-style: chr11-108289012-C-G. GRCh37 (hg19) VCF-style: chr11-108159739-C-G.
Other names: c.4145C>G, p.Pro1382Arg (NM_001351834.2); short protein forms P1382R.
Identifiers: ClinVar variation 4617898 (VCV004617898.1).

ClinVar aggregate classification (germline): Uncertain significance (1 of 4 stars; one submission).

Conditions:
Hereditary cancer-predisposing syndrome. Also called: Neoplastic Syndromes, Hereditary; Tumor predisposition; Hereditary Cancer Syndrome; Hereditary neoplastic syndrome. Identifiers: Orphanet 140162, MedGen C0027672, MeSH D009386, MONDO:0015356.

Submission:

Ambry Genetics
Classification: Uncertain significance for Hereditary cancer-predisposing syndrome. Last evaluated: 2025-10-22. Review status: criteria provided, single submitter. Criteria: Ambry Variant Classification Scheme 2023. Collection method: clinical testing. Allele origin: germline.
Comment: The p.P1382R variant (also known as c.4145C>G), located in coding exon 27 of the ATM gene, results from a C to G substitution at nucleotide position 4145. The proline at codon 1382 is replaced by arginine, an amino acid with dissimilar properties. This amino acid position is conserved. In addition, the in silico prediction for this alteration is inconclusive. Based on the available evidence, the clinical significance of this variant remains unclear.